The following is an entry in ClinVar:

ClinVar aggregate classification (germline): Uncertain significance (1 of 4 stars; one submission).

Conditions:
Long QT syndrome (LQTS). Identifiers: MedGen C0023976, MeSH D008133, MONDO:0002442. Disease mechanism: loss of function. Inheritance: Various modes of inheritance.

Submission:

Labcorp Genetics (formerly Invitae), Labcorp
Classification: Uncertain significance for Long QT syndrome. Last evaluated: 2024-09-11. Review status: criteria provided, single submitter. Criteria: Invitae Variant Classification Sherloc (09022015). Collection method: clinical testing. Allele origin: germline.
Comment: This sequence change replaces glycine, which is neutral and non-polar, with valine, which is neutral and non-polar, at codon 1783 of the CACNA1C protein (p.Gly1783Val). This variant is not present in population databases (gnomAD no frequency). This variant has not been reported in the literature in individuals affected with CACNA1C-related conditions. Invitae Evidence Modeling of protein sequence and biophysical properties (such as structural, functional, and spatial information, amino acid conservation, physicochemical variation, residue mobility, and thermodynamic stability) indicates that this missense variant is not expected to disrupt CACNA1C protein function with a negative predictive value of 95%. In summary, the available evidence is currently insufficient to determine the role of this variant in disease. Therefore, it has been classified as a Variant of Uncertain Significance.

NM_000719.7(CACNA1C):c.5348G>T (p.Gly1783Val)

Genes: CACNA1C (calcium voltage-gated channel subunit alpha1 C; plus strand), CACNA1C-AS1 (CACNA1C antisense RNA 1; minus strand). Cytogenetic location: 12p13.33.
Variant type: single nucleotide variant.
Coding change: c.5348G>T on transcript NM_000719.7 (MANE Select); coding-DNA position 5348, G replaced by T.
Protein change: p.Gly1783Val; replaces glycine 1783 with valine.
Molecular consequence: missense variant.
Genome position (GRCh38, 1-based): chr12:2,679,700, G>T. VCF-style: chr12-2679700-G-T. GRCh37 (hg19) VCF-style: chr12-2788866-G-T.
Other names: c.5492G>T, p.Gly1831Val (NM_001129827.2, NM_199460.4); c.5372G>T, p.Gly1791Val (NM_001129838.2, NM_001129837.2); c.5366G>T, p.Gly1789Val (NM_001129839.2); c.5348G>T, p.Gly1783Val (NM_001129840.2, NM_001129841.2, NM_001129842.2 and 4 more transcripts); c.5339G>T, p.Gly1780Val (NM_001129844.2); c.5315G>T, p.Gly1772Val (NM_001129846.2, NM_001167625.2); c.5471G>T, p.Gly1824Val (NM_001129829.2); c.5432G>T, p.Gly1811Val (NM_001129831.2); and 3 more; short protein forms G1780V, G1783V, G1803V, G1811V, G1772V, G1791V, G1800V, G1824V.
Identifiers: ClinVar variation 3635029 (VCV003635029.2).